The following is an entry in ClinVar:

NM_000059.4(BRCA2):c.9643C>A (p.Leu3215Ile)

Gene: BRCA2 (BRCA2 DNA repair associated; plus strand). Cytogenetic location: 13q13.1.
Variant type: single nucleotide variant.
Coding change: c.9643C>A on transcript NM_000059.4 (MANE Select); coding-DNA position 9643, C replaced by A.
Protein change: p.Leu3215Ile; replaces leucine 3215 with isoleucine.
Molecular consequence: missense variant. On other transcripts: non-coding transcript variant (1).
Genome position (GRCh38, 1-based): chr13:32,397,039, C>A. VCF-style: chr13-32397039-C-A. GRCh37 (hg19) VCF-style: chr13-32971176-C-A.
Other names: c.9547C>A, p.Leu3183Ile (NM_001406719.1); c.9592C>A, p.Leu3198Ile (NM_001406720.1); c.4711C>A, p.Leu1571Ile (NM_001406721.1); c.3226C>A, p.Leu1076Ile (NM_001406722.1); short protein forms L3183I, L1076I, L1571I, L3198I, L3215I.
Identifiers: ClinVar variation 3261645 (VCV003261645.1).
Genomic context (GRCh38, chr13:32,397,039, plus strand): 5'-ACTAAAGACTGTACTTCAGGGCCGTACACTGCTCAAATCATTCCTGGTACAGGAAACAAG[C>A]TTCTGGTAAGTTAATGTAAACTCAAGGAATATTATAAGAAGTATATATGGAGGCCATCGT-3'
Protein context (NP_000050.3, residues 3205-3225): AQIIPGTGNK[Leu3215Ile]LMSSPNCEIY

ClinVar aggregate classification (germline): Uncertain significance (1 of 4 stars; one submission).

Conditions:
Hereditary cancer-predisposing syndrome. Also called: Hereditary Cancer Syndrome; Tumor predisposition; Hereditary neoplastic syndrome; Neoplastic Syndromes, Hereditary. Identifiers: Orphanet 140162, MedGen C0027672, MeSH D009386, MONDO:0015356.

Submission:

Ambry Genetics
Classification: Uncertain significance for Hereditary cancer-predisposing syndrome. Last evaluated: 2024-06-01. Review status: criteria provided, single submitter. Criteria: Ambry Variant Classification Scheme 2023. Collection method: clinical testing. Allele origin: germline.
Comment: The p.L3215I variant (also known as c.9643C>A), located in coding exon 25 of the BRCA2 gene, results from a C to A substitution at nucleotide position 9643. The leucine at codon 3215 is replaced by isoleucine, an amino acid with highly similar properties. This amino acid position is conserved. In addition, this alteration is predicted to be tolerated by in silico analysis. Based on the available evidence, the clinical significance of this variant remains unclear.